The following is an entry in ClinVar:

ClinVar aggregate classification (germline): Conflicting classifications of pathogenicity. Review status: criteria provided, conflicting classifications (1 of 4 stars). 4 submissions from 4 submitters: Uncertain significance (2); Likely benign (1). 1 of the submissions does not count toward it. Last evaluated 2024-12-06.

Conditions:
Microcephalic osteodysplastic primordial dwarfism type II (MOPD2). Also called: OSTEODYSPLASTIC PRIMORDIAL DWARFISM, TYPE II; Microcephalic osteodysplastic primordial dwarfism with tooth abnormalities; MOPD II. Identifiers: Orphanet 2637, MedGen C0432246, MONDO:0008872, OMIM 210720.
PCNT-related disorder. Also called: PCNT-related condition.
Inborn genetic diseases. Identifiers: MedGen C0950123, MeSH D030342.

Allele frequency attached by ClinVar (database versions not stated): gnomAD 0.00007; ExAC 0.00008; TOPMed 0.00008; gnomAD exomes 0.00016; ESP Exome Variant Server 0.00023.
gnomAD v4.1: 235 of 1,614,008 alleles (0.015%); highest among the groups gnomAD compares: Middle Eastern, 0.033%; no homozygotes.

Submissions (4):

ARUP Laboratories, Molecular Genetics and Genomics, ARUP Laboratories
Classification: Likely benign for Microcephalic osteodysplastic primordial dwarfism type II. Last evaluated: 2024-12-06. Review status: criteria provided, single submitter. Criteria: ARUP Molecular Germline Variant Investigation Process 2024. Collection method: clinical testing. Allele origin: germline.

Labcorp Genetics (formerly Invitae), Labcorp
Classification: Uncertain significance. Last evaluated: 2022-06-23. Review status: criteria provided, single submitter. Criteria: Invitae Variant Classification Sherloc (09022015). Collection method: clinical testing. Allele origin: germline.
Comment: This sequence change replaces arginine, which is basic and polar, with histidine, which is basic and polar, at codon 2951 of the PCNT protein (p.Arg2951His). This variant is present in population databases (rs367928364, gnomAD 0.02%). This variant has not been reported in the literature in individuals affected with PCNT-related conditions. Algorithms developed to predict the effect of missense changes on protein structure and function (SIFT, PolyPhen-2, Align-GVGD) all suggest that this variant is likely to be tolerated. In summary, the available evidence is currently insufficient to determine the role of this variant in disease. Therefore, it has been classified as a Variant of Uncertain Significance.

Ambry Genetics
Classification: Uncertain significance for Inborn genetic diseases. Last evaluated: 2021-08-12. Review status: criteria provided, single submitter. Criteria: Ambry Variant Classification Scheme 2023. Collection method: clinical testing. Allele origin: germline.

PreventionGenetics, part of Exact Sciences
Classification: Uncertain significance for PCNT-related condition. Last evaluated: 2024-08-18. Review status: no assertion criteria provided. Collection method: clinical testing. Allele origin: germline. Not counted in ClinVar's aggregate classification.
Comment: The PCNT c.8852G>A variant is predicted to result in the amino acid substitution p.Arg2951His. To our knowledge, this variant has not been reported in the literature. This variant is reported in 0.016% of alleles in individuals of European (Non-Finnish) descent in gnomAD. At this time, the clinical significance of this variant is uncertain due to the absence of conclusive functional and genetic evidence.

NM_006031.6(PCNT):c.8852G>A (p.Arg2951His)

Gene: PCNT (pericentrin; plus strand). Cytogenetic location: 21q22.3.
Variant type: single nucleotide variant.
Coding change: c.8852G>A on transcript NM_006031.6 (MANE Select); coding-DNA position 8852, G replaced by A.
Protein change: p.Arg2951His; replaces arginine 2951 with histidine.
Molecular consequence: missense variant.
Genome position (GRCh38, 1-based): chr21:46,436,004, G>A. VCF-style: chr21-46436004-G-A. GRCh37 (hg19) VCF-style: chr21-47855917-G-A.
Other names: c.8261G>A, p.Arg2754His (NM_001315529.2); c.8852G>A (NM_006031.5); short protein forms R2951H, R2754H.
Identifiers: ClinVar variation 2155469 (VCV002155469.5), dbSNP rs367928364, ClinGen allele CA10081103.